The following is an entry in ClinVar:

ClinVar aggregate classification (germline): Pathogenic/Likely pathogenic. Review status: criteria provided, multiple submitters, no conflicts (2 of 4 stars). 4 submissions from 4 submitters: Pathogenic (1); Likely pathogenic (3). Last evaluated 2026-07-20.

Conditions:
INVS-related disorder. Also called: INVS-related condition.
INVS-related disorders.
Infantile nephronophthisis (NPHP2). Also called: Nephronophthisis 2; Nephronophthisis 2, infantile. Identifiers: Orphanet 655, Orphanet 93591, MedGen C1865872, MONDO:0011190, OMIM 602088.
Nephronophthisis. Also called: Juvenile Nephronophthisis. Identifiers: Orphanet 655, MedGen C0687120, MONDO:0019005, HP:0000090.

Submissions (4):

PreventionGenetics, part of Exact Sciences
Classification: Likely pathogenic for INVS-related condition. Last evaluated: 2026-07-20. Review status: criteria provided, single submitter. Criteria: ACMG Guidelines, 2015. Collection method: clinical testing. Allele origin: germline.
Comment: The INVS c.497_512dup16 variant is predicted to result in a frameshift and premature protein termination (p.His171Glnfs*7). This variant has been reported in the heterozygous state in an individual with pulmonary arterial hypertension also noted to have a ventricular septal defect, Tetralogy of Fallot, and DiGeorge syndrome (Table S4, Zhu et al. 2018. PubMed ID: 30029678). This variant is reported in 0.0028% of alleles in individuals of Latino descent in gnomAD. Frameshift variants in INVS are expected to be pathogenic. This variant is interpreted as likely pathogenic.

Labcorp Genetics (formerly Invitae), Labcorp
Classification: Pathogenic for Nephronophthisis. Last evaluated: 2026-01-12. Review status: criteria provided, single submitter. Criteria: Invitae Variant Classification Sherloc (09022015). Collection method: clinical testing. Allele origin: germline.
Comment: This sequence change creates a premature translational stop signal (p.His171Glnfs*7) in the INVS gene. It is expected to result in an absent or disrupted protein product. Loss-of-function variants in INVS are known to be pathogenic (PMID: 12872123). This variant is present in population databases (rs779545419, gnomAD 0.003%). This premature translational stop signal has been observed in individual(s) with clinical features of INVS-related conditions (PMID: 30029678). ClinVar contains an entry for this variant (Variation ID: 1069181). For these reasons, this variant has been classified as Pathogenic.

Blueprint Genetics
Classification: Likely pathogenic for INVS-related disorders. Last evaluated: 2024-08-07. Review status: criteria provided, single submitter. Criteria: ACMG Guidelines, 2015. Collection method: clinical testing. Allele origin: germline. Affected: yes. Observed: 3 variant alleles.

Fulgent Genetics
Classification: Likely pathogenic for Infantile nephronophthisis. Last evaluated: 2024-06-09. Review status: criteria provided, single submitter. Criteria: ACMG Guidelines, 2015. Collection method: clinical testing. Allele origin: germline.

Literature cited by the submitters: PubMed 12872123 (cited by Labcorp Genetics (formerly Invitae), Labcorp); PubMed 30029678 (cited by Labcorp Genetics (formerly Invitae), Labcorp).

NM_014425.5(INVS):c.497_512dup (p.His171fs)

Gene: INVS (inversin; plus strand). Cytogenetic location: 9q31.1.
Variant type: Duplication.
Coding change: c.497_512dup on transcript NM_014425.5 (MANE Select); coding-DNA positions 497 to 512, 16 bases duplicated (AGCTGCTCATCAAGCA).
Protein change: p.His171fs; shifts the reading frame from histidine 171.
Molecular consequence: frameshift variant. On other transcripts: 5 prime UTR variant (1), non-coding transcript variant (1).
Genome position (GRCh38, 1-based): chr9:100,229,709-100,229,724, AGCTGCTCATCAAGCA duplicated; duplicating any 16 consecutive bases within chr9:100,229,708-100,229,724 gives the same sequence; the c. name uses the placement nearest the transcript's 3' end. VCF-style (leftmost placement, unchanged base first): chr9-100229707-G-GAAGCTGCTCATCAAGC. GRCh37 (hg19) VCF-style: chr9-102991989-G-GAAGCTGCTCATCAAGC.
Other names: c.209_224dup, p.His75fs (NM_001318381.2); c.-493_-478dup (NM_001318382.2); c.497_512dup16 (NM_014425.4); short protein forms H171fs, H75fs.
Identifiers: ClinVar variation 1069181 (VCV001069181.13), dbSNP rs779545419, ClinGen allele CA5158177.